The following is an entry in ClinVar:

NM_006015.6(ARID1A):c.5254A>G (p.Lys1752Glu)

Gene: ARID1A (AT-rich interaction domain 1A; plus strand). Cytogenetic location: 1p36.11.
Variant type: single nucleotide variant.
Coding change: c.5254A>G on transcript NM_006015.6 (MANE Select); coding-DNA position 5254, A replaced by G.
Protein change: p.Lys1752Glu; replaces lysine 1752 with glutamic acid.
Molecular consequence: missense variant.
Genome position (GRCh38, 1-based): chr1:26,779,152, A>G. VCF-style: chr1-26779152-A-G. GRCh37 (hg19) VCF-style: chr1-27105643-A-G.
Other names: c.4603A>G, p.Lys1535Glu (NM_139135.4); short protein forms K1535E, K1752E.
Identifiers: ClinVar variation 989290 (VCV000989290.4), dbSNP rs1348258521, ClinGen allele CA339184428.
Genomic context (GRCh38, chr1:26,779,152, plus strand): 5'-AAGGAGTATGAGGTGGGTGACCCAGGACAGAGAACGCTACTGGATCCTGGGAGGTTCAGC[A>G]AGGTGTCTAGTCCAGCTCCCATGGAGGGTGGGGAAGAAGAAGAAGAACTTCTAGGTCCTA-3'
Protein context (NP_006006.3, residues 1742-1762): RTLLDPGRFS[Lys1752Glu]VSSPAPMEGG

ClinVar aggregate classification (germline): Uncertain significance (1 of 4 stars; one submission).

Conditions:
Intellectual disability, autosomal dominant 14 (CSS2). Also called: COFFIN-SIRIS SYNDROME 2. Identifiers: Orphanet 1465, MedGen C3553247, MONDO:0013819, OMIM 614607.

Allele frequency attached by ClinVar (database versions not stated): gnomAD exomes below 0.00001.
gnomAD v4.1: 1 of 1,594,220 alleles (0.000063%); highest among the groups gnomAD compares: Non-Finnish European, 0.000086%; no homozygotes.

Submission:

Illumina Laboratory Services, Illumina
Classification: Uncertain significance for Intellectual disability, autosomal dominant 14. Last evaluated: 2019-02-19. Review status: criteria provided, single submitter. Criteria: ICSLVariantClassificationCriteria RUGD 01 April 2020. Collection method: clinical testing. Allele origin: unknown.
Comment: The ARID1A c.5254A>G (p.Lys1752Glu) variant is a missense variant. A literature search was performed for the gene, cDNA change, and amino acid change. No publications were found based on this search. This variant is reported at a frequency of 0.000009 in the European (non-Finnish) population of the Genome Aggregation Database, though this is based on one allele in a region of good sequencing coverage, so the variant is presumed to be rare. Based on the limited evidence, the p.Lys1752Glu variant is classified as a variant of uncertain significance for Coffin-Siris syndrome.